The following is an entry in ClinVar:

NM_000384.3(APOB):c.896T>C (p.Phe299Ser)

Gene: APOB (apolipoprotein B; minus strand). Cytogenetic location: 2p24.1.
Variant type: single nucleotide variant.
Coding change: c.896T>C on transcript NM_000384.3 (MANE Select); coding-DNA position 896, T replaced by C.
Protein change: p.Phe299Ser; replaces phenylalanine 299 with serine.
Molecular consequence: missense variant.
Genome position (GRCh38, 1-based): chr2:21,034,824, A>G on the plus strand (T>C on the coding strand, the complement: APOB is on the minus strand). VCF-style: chr2-21034824-A-G. GRCh37 (hg19) VCF-style: chr2-21257696-A-G.
Other names: short protein forms F299S.
Identifiers: ClinVar variation 4791303 (VCV004791303.1).

ClinVar aggregate classification (germline): Uncertain significance (1 of 4 stars; one submission).

Conditions:
Familial hypobetalipoproteinemia 1. Also called: APOB-Related Familial Hypobetalipoproteinemia; Hypobetalipoproteinemia, normotriglyceridemic; Acanthocytosis with hypobetalipoproteinemia. Identifiers: MedGen C4551990, MONDO:0014252, OMIM 615558.
Hypercholesterolemia, autosomal dominant, type B (FHCL2). Also called: APOB-Related Familial Hypercholesterolemia, Autosomal Dominant; Familial hypercholesterolemia 2; Familial Hypercholesterolemia Type B; APOLIPOPROTEIN B-100, FAMILIAL DEFECTIVE; APOLIPOPROTEIN B-100, FAMILIAL LIGAND-DEFECTIVE; HYPERCHOLESTEROLEMIA, FAMILIAL, DUE TO LIGAND-DEFECTIVE APOLIPOPROTEIN B. Identifiers: MedGen C1704417, MONDO:0007751, OMIM 144010.

gnomAD v4.1: 2 of 1,589,220 alleles (0.00013%); highest among the groups gnomAD compares: Non-Finnish European, 0.000086%; no homozygotes.

Submission:

Labcorp Genetics (formerly Invitae), Labcorp
Classification: Uncertain significance for Familial hypobetalipoproteinemia 1; Hypercholesterolemia, autosomal dominant, type B. Last evaluated: 2025-12-21. Review status: criteria provided, single submitter. Criteria: Invitae Variant Classification Sherloc (09022015). Collection method: clinical testing. Allele origin: germline.
Comment: This sequence change replaces phenylalanine, which is neutral and non-polar, with serine, which is neutral and polar, at codon 299 of the APOB protein (p.Phe299Ser). This variant is present in population databases (rs775295865, gnomAD 0.002%). This variant has not been reported in the literature in individuals affected with APOB-related conditions. Invitae Evidence Modeling of protein sequence and biophysical properties (such as structural, functional, and spatial information, amino acid conservation, physicochemical variation, residue mobility, and thermodynamic stability) indicates that this missense variant is not expected to disrupt APOB protein function with a negative predictive value of 95%. In summary, the available evidence is currently insufficient to determine the role of this variant in disease. Therefore, it has been classified as a Variant of Uncertain Significance.